The following is an entry in ClinVar:

NM_015027.4(PDXDC1):c.1435G>A (p.Val479Ile)

Gene: PDXDC1 (pyridoxal dependent decarboxylase domain containing 1). Cytogenetic location: 16p13.11.
Variant type: single nucleotide variant.
Coding change: c.1435G>A on transcript NM_015027.4 (MANE Select); coding-DNA position 1435, G replaced by A.
Protein change: p.Val479Ile; replaces valine 479 with isoleucine.
Molecular consequence: missense variant. On other transcripts: intron variant (3).
Genome position (GRCh38, 1-based): chr16:15,031,770, G>A. VCF-style: chr16-15031770-G-A. GRCh37 (hg19) VCF-style: chr16-15125627-G-A.
Other names: c.1354G>A, p.Val452Ile (NM_001285444.2); c.1351G>A, p.Val451Ile (NM_001285445.2); c.1390G>A, p.Val464Ile (NM_001285447.1); c.1162G>A, p.Val388Ile (NM_001285448.1); c.1432G>A, p.Val478Ile (NM_001324019.2); c.1399+1714G>A (NM_001285449.2); c.1318+1714G>A (NM_001324021.2); c.1396+1714G>A (NM_001324020.2); short protein forms V388I, V451I, V452I, V464I, V478I, V479I.
Identifiers: ClinVar variation 3043829 (VCV003043829.2), dbSNP rs77031093, ClinGen allele CA7915362.

ClinVar aggregate classification (germline): Likely benign (0 of 4 stars; one submission).

Conditions:
PDXDC1-related disorder. Also called: PDXDC1-related condition.

Allele frequency attached by ClinVar (database versions not stated): gnomAD 0.00007; gnomAD exomes 0.00009; TOPMed 0.00010; ExAC 0.00014; 1000 Genomes Project 30x 0.00031; 1000 Genomes Project 0.00040.
gnomAD v4.1: 147 of 1,613,672 alleles (0.0091%); highest among the groups gnomAD compares: East Asian, 0.29%; no homozygotes.

Submission:

PreventionGenetics, part of Exact Sciences
Classification: Likely benign for PDXDC1-related condition. Last evaluated: 2022-03-31. Review status: no assertion criteria provided. Collection method: clinical testing. Allele origin: germline.
Comment: This variant is classified as likely benign based on ACMG/AMP sequence variant interpretation guidelines (Richards et al. 2015 PMID: 25741868, with internal and published modifications).